The following is an entry in ClinVar:

NM_206933.4(USH2A):c.473_474del (p.Gln158fs)

Gene: USH2A (usherin; minus strand). Cytogenetic location: 1q41.
Variant type: Deletion.
Coding change: c.473_474del on transcript NM_206933.4 (MANE Select); coding-DNA positions 473 to 474, 2 bases deleted (AA; older notation c.473_474delAA).
Protein change: p.Gln158fs; shifts the reading frame from glutamine 158.
Molecular consequence: frameshift variant.
Genome position (GRCh38, 1-based): chr1:216,421,863-216,421,864, TT deleted on the plus strand (AA on the coding strand, the reverse complement: USH2A is on the minus strand). VCF-style (leftmost placement, unchanged base first): chr1-216421862-GTT-G. GRCh37 (hg19) VCF-style: chr1-216595204-GTT-G.
Other names: c.473_474del, p.Gln158fs (NM_007123.6); short protein forms Q158fs.
Identifiers: ClinVar variation 3601037 (VCV003601037.1).
Genomic context (GRCh38, chr1:216,421,862, plus strand): 5'-ACTACTGGTTTTGGGGACCTATGAAAGCTTATACCTACACTACTACTTACATTACACCTT[GTT>G]GCTCAGGTTTCAGCCATACAGCTAAGGTAAATGATGCCATCAGCTTTGGAGAAGGAGGAG-3'

ClinVar aggregate classification (germline): Likely pathogenic (1 of 4 stars; one submission).

Conditions:
Usher syndrome type 2A. Also called: RETINAL DISEASE IN USHER SYNDROME TYPE IIA, MODIFIER OF; USHER SYNDROME, TYPE IIA. Identifiers: Orphanet 231178, Orphanet 886, MedGen C1848634, MONDO:0010169, OMIM 276901.

Submission:

Institute of Rare Diseases, West China Hospital, Sichuan University
Classification: Likely pathogenic for Usher syndrome type 2A. Last evaluated: 2025-01-09. Review status: criteria provided, single submitter. Criteria: ClinGen HL ACMG Specifications v1. Collection method: research. Allele origin: germline. Affected: yes.
Comment: PVS1;PM2_Supporting